The following is an entry in ClinVar:

ClinVar aggregate classification (germline): Uncertain significance (1 of 4 stars; one submission).

gnomAD v4.1: 14 of 1,585,222 alleles (0.00088%); highest among the groups gnomAD compares: African/African-American, 0.02%; 1 homozygote.

Submission:

Ambry Genetics
Classification: Uncertain significance. Last evaluated: 2025-11-19. Review status: criteria provided, single submitter. Criteria: Ambry Variant Classification Scheme 2023. Collection method: clinical testing. Allele origin: germline.
Comment: The c.8479A>T (p.T2827S) alteration is located in exon 31 (coding exon 31) of the MUC5B gene. This alteration results from a A to T substitution at nucleotide position 8479, causing the threonine (T) at amino acid position 2827 to be replaced by a serine (S). Based on data from gnomAD, the T allele has an overall frequency of 0.002% (6/268806) total alleles studied. The highest observed frequency was 0.026% (6/22982) of African alleles. Based on insufficient or conflicting evidence, the clinical significance of this alteration remains unclear.

NM_002458.3(MUC5B):c.8479A>T (p.Thr2827Ser)

Genes: MUC5B (mucin 5B, oligomeric mucus/gel-forming; plus strand), MUC5B-AS1 (MUC5B antisense RNA 1; minus strand). Cytogenetic location: 11p15.5.
Variant type: single nucleotide variant.
Coding change: c.8479A>T on transcript NM_002458.3 (MANE Select); coding-DNA position 8479, A replaced by T.
Protein change: p.Thr2827Ser; replaces threonine 2827 with serine.
Molecular consequence: missense variant.
Genome position (GRCh38, 1-based): chr11:1,245,359, A>T. VCF-style: chr11-1245359-A-T. GRCh37 (hg19) VCF-style: chr11-1266589-A-T.
Other names: short protein forms T2827S.
Identifiers: ClinVar variation 4554360 (VCV004554360.1).